The following is an entry in ClinVar:

NM_015909.4(NBAS):c.3590+6A>G

Gene: NBAS (NBAS subunit of NRZ tethering complex; minus strand). Cytogenetic location: 2p24.3.
Variant type: single nucleotide variant.
Coding change: c.3590+6A>G on transcript NM_015909.4 (MANE Select); 6 bases into the intron after coding-DNA position 3590, A replaced by G.
Molecular consequence: intron variant.
Genome position (GRCh38, 1-based): chr2:15,379,596, T>C on the plus strand (A>G on the coding strand, the complement: NBAS is on the minus strand). VCF-style: chr2-15379596-T-C. GRCh37 (hg19) VCF-style: chr2-15519720-T-C.
Identifiers: ClinVar variation 1464609 (VCV001464609.6), dbSNP rs1249328499, ClinGen allele CA531314813.

ClinVar aggregate classification (germline): Uncertain significance (1 of 4 stars; one submission).

Allele frequency attached by ClinVar (database versions not stated): gnomAD exomes 0.00001.
gnomAD v4.1: 8 of 1,612,954 alleles (0.0005%); highest among the groups gnomAD compares: Non-Finnish European, 0.00059%; no homozygotes.

Submission:

Labcorp Genetics (formerly Invitae), Labcorp
Classification: Uncertain significance. Last evaluated: 2022-10-06. Review status: criteria provided, single submitter. Criteria: Invitae Variant Classification Sherloc (09022015). Collection method: clinical testing. Allele origin: germline.
Comment: In summary, the available evidence is currently insufficient to determine the role of this variant in disease. Therefore, it has been classified as a Variant of Uncertain Significance. Variants that disrupt the consensus splice site are a relatively common cause of aberrant splicing (PMID: 17576681, 9536098). Algorithms developed to predict the effect of sequence changes on RNA splicing suggest that this variant is not likely to affect RNA splicing. ClinVar contains an entry for this variant (Variation ID: 1464609). This variant has not been reported in the literature in individuals affected with NBAS-related conditions. This variant is present in population databases (no rsID available, gnomAD 0.002%). This sequence change falls in intron 30 of the NBAS gene. It does not directly change the encoded amino acid sequence of the NBAS protein. It affects a nucleotide within the consensus splice site.

Literature cited by the submitters: PubMed 17576681; PubMed 9536098.